The following is an entry in ClinVar:

NM_005862.3(STAG1):c.167A>G (p.Glu56Gly)

Gene: STAG1 (STAG1 cohesin complex component; minus strand). Cytogenetic location: 3q22.3.
Variant type: single nucleotide variant.
Coding change: c.167A>G on transcript NM_005862.3 (MANE Select); coding-DNA position 167, A replaced by G.
Protein change: p.Glu56Gly; replaces glutamic acid 56 with glycine.
Molecular consequence: missense variant.
Genome position (GRCh38, 1-based): chr3:136,604,439, T>C on the plus strand (A>G on the coding strand, the complement: STAG1 is on the minus strand). VCF-style: chr3-136604439-T-C. GRCh37 (hg19) VCF-style: chr3-136323281-T-C.
Other names: short protein forms E56G.
Identifiers: ClinVar variation 4851344 (VCV004851344.1).

ClinVar aggregate classification (germline): Likely benign (1 of 4 stars; one submission).

Conditions:
Intellectual developmental disorder, autosomal dominant 47. Also called: MENTAL RETARDATION, AUTOSOMAL DOMINANT 47; Intellectual disability, autosomal dominant 47. Identifiers: Orphanet 502434, MedGen C4539951, MONDO:0030912, OMIM 617635.

Submission:

Centre for Medical Genetics,  Mumbai
Classification: Likely benign for Intellectual developmental disorder, autosomal dominant 47. Last evaluated: 2026-04-09. Review status: criteria provided, single submitter. Criteria: ACMG Guidelines, 2015. Collection method: provider interpretation. Allele origin: germline. Inheritance: Autosomal dominant inheritance. Affected: no. Observed: 1 variant allele, 1 heterozygote.
Comment: The variant satisfies PM2 criteria - extremely low frequency in gnomAD population databases. The variant satisfies PP2 criteria - missense variant in a gene with low rate of benign missense mutations and for which missense mutation is a common mechanism of a disease. The variant satisfies BP4 criteria - for a missense or a splice region variant, computational prediction tools unanimously support a benign effect on the gene. However, the variant satisfies BS2 criteria - present in heterozygous state in an individual that clinically does not have Intellectual developmental disorder.

Literature cited by the submitters: PubMed 28119487.